The following is an entry in ClinVar:

ClinVar aggregate classification (germline): Uncertain significance (1 of 4 stars; one submission).

Submission:

Greenwood Genetic Center Diagnostic Laboratories, Greenwood Genetic Center
Classification: Uncertain significance. Last evaluated: 2025-02-20. Review status: criteria provided, single submitter. Criteria: ACMG Guidelines, 2015. Collection method: clinical testing. Allele origin: germline.
Comment: PM2, BP4

NM_017934.7(PHIP):c.*3497A>T

Genes: IRAK1BP1 (interleukin 1 receptor associated kinase 1 binding protein 1; plus strand), PHIP (PHIP subunit of CUL4-Ring ligase complex; minus strand). Cytogenetic location: 6q14.1.
Variant type: single nucleotide variant.
Coding change: c.*3497A>T on transcript NM_017934.7 (MANE Select); 3497 bases downstream of the stop codon, A replaced by T.
Molecular consequence: 3 prime UTR variant.
Genome position (GRCh38, 1-based): chr6:78,937,196, T>A on the plus strand (A>T on the coding strand, the complement: PHIP is on the minus strand). VCF-style: chr6-78937196-T-A. GRCh37 (hg19) VCF-style: chr6-79646913-T-A.
Identifiers: ClinVar variation 4851705 (VCV004851705.1).
Genomic context (GRCh38, chr6:78,937,196, plus strand): 5'-TCTTGGTCCTTTCAACCTACTCAAAAATAAATTTCAGGTAACAAAAACATTCAGAATATA[T>A]CCGTTTTCATTAGATAGAAAACTGAAAAAGTTGCTTCTAGCTGACATTTGAGAGAGATAT-3'